The following is an entry in ClinVar:

NM_015295.3(SMCHD1):c.4544G>A (p.Arg1515Lys)

Gene: SMCHD1 (structural maintenance of chromosomes flexible hinge domain containing 1; plus strand). Cytogenetic location: 18p11.32.
Variant type: single nucleotide variant.
Coding change: c.4544G>A on transcript NM_015295.3 (MANE Select); coding-DNA position 4544, G replaced by A.
Protein change: p.Arg1515Lys; replaces arginine 1515 with lysine.
Molecular consequence: missense variant.
Genome position (GRCh38, 1-based): chr18:2,762,214, G>A. VCF-style: chr18-2762214-G-A. GRCh37 (hg19) VCF-style: chr18-2762212-G-A.
Other names: short protein forms R1515K.
Identifiers: ClinVar variation 1403358 (VCV001403358.9), dbSNP rs372451234, ClinGen allele CA8871502.

ClinVar aggregate classification (germline): Conflicting classifications of pathogenicity. Review status: criteria provided, conflicting classifications (1 of 4 stars). 2 submissions from 2 submitters: Uncertain significance (1); Likely benign (1). Last evaluated 2025-11-19.

Conditions:
Facioscapulohumeral muscular dystrophy 2 (FSHD2). Also called: MUSCULAR DYSTROPHY, FACIOSCAPULOHUMERAL, TYPE 1B; FACIOSCAPULOHUMERAL MUSCULAR DYSTROPHY 2, DIGENIC; FSHD2, DIGENIC. Identifiers: Orphanet 269, MedGen C1834671, MONDO:0008031, OMIM 158901.

Allele frequency attached by ClinVar (database versions not stated): ExAC 0.00002; gnomAD exomes 0.00002 and 0.00004; gnomAD 0.00003 and 0.00004; TOPMed 0.00003; ESP Exome Variant Server 0.00008.
gnomAD v4.1: 35 of 1,613,564 alleles (0.0022%); highest among the groups gnomAD compares: Non-Finnish European, 0.0028%; no homozygotes.

Submissions (2):

Labcorp Genetics (formerly Invitae), Labcorp
Classification: Uncertain significance for Facioscapulohumeral muscular dystrophy 2. Last evaluated: 2025-11-19. Review status: criteria provided, single submitter. Criteria: Invitae Variant Classification Sherloc (09022015). Collection method: clinical testing. Allele origin: germline.
Comment: This sequence change replaces arginine, which is basic and polar, with lysine, which is basic and polar, at codon 1515 of the SMCHD1 protein (p.Arg1515Lys). This variant is present in population databases (rs372451234, gnomAD 0.008%). This variant has not been reported in the literature in individuals affected with SMCHD1-related conditions. ClinVar contains an entry for this variant (Variation ID: 1403358). Invitae Evidence Modeling of protein sequence and biophysical properties (such as structural, functional, and spatial information, amino acid conservation, physicochemical variation, residue mobility, and thermodynamic stability) indicates that this missense variant is not expected to disrupt SMCHD1 protein function with a negative predictive value of 80%. In summary, the available evidence is currently insufficient to determine the role of this variant in disease. Therefore, it has been classified as a Variant of Uncertain Significance.

Blueprint Genetics
Classification: Likely benign. Last evaluated: 2024-09-13. Review status: criteria provided, single submitter. Criteria: ACMG Guidelines, 2015. Collection method: clinical testing. Allele origin: germline.